The following is an entry in ClinVar:

NM_052844.4(DYNC2I2):c.1069G>A (p.Gly357Ser)

Genes: DYNC2I2 (dynein 2 intermediate chain 2; minus strand), LOC126860772 (CDK7 strongly-dependent group 2 enhancer GRCh37_chr9:131396972-131398171; plus strand). Cytogenetic location: 9q34.11.
Variant type: single nucleotide variant.
Coding change: c.1069G>A on transcript NM_052844.4 (MANE Select); coding-DNA position 1069, G replaced by A.
Protein change: p.Gly357Ser; replaces glycine 357 with serine.
Molecular consequence: missense variant.
Genome position (GRCh38, 1-based): chr9:128,634,834, C>T on the plus strand (G>A on the coding strand, the complement: DYNC2I2 is on the minus strand). VCF-style: chr9-128634834-C-T. GRCh37 (hg19) VCF-style: chr9-131397113-C-T.
Other names: c.1069G>A (NM_052844.3); short protein forms G357S.
Identifiers: ClinVar variation 1681206 (VCV001681206.9), dbSNP rs769501856, ClinGen allele CA5266351.

ClinVar aggregate classification (germline): Uncertain significance. Review status: criteria provided, multiple submitters, no conflicts (2 of 4 stars). 2 submissions from 2 submitters: Uncertain significance (2). Last evaluated 2024-12-07.

Conditions:
Inborn genetic diseases. Identifiers: MedGen C0950123, MeSH D030342.
Short-rib thoracic dysplasia 11 with or without polydactyly (SRTD11). Also called: SHORT-RIB THORACIC DYSPLASIA 11 WITHOUT POLYDACTYLY. Identifiers: Orphanet 474, Orphanet 93271, MedGen C3810200, MONDO:0014287, OMIM 615633.

Allele frequency attached by ClinVar (database versions not stated): gnomAD exomes 0.00001; TOPMed below 0.00001; ExAC 0.00001.

Submissions (2):

Ambry Genetics
Classification: Uncertain significance for Inborn genetic diseases. Last evaluated: 2024-12-07. Review status: criteria provided, single submitter. Criteria: Ambry Variant Classification Scheme 2023. Collection method: clinical testing. Allele origin: germline.

Labcorp Genetics (formerly Invitae), Labcorp
Classification: Uncertain significance for Short-rib thoracic dysplasia 11 with or without polydactyly. Last evaluated: 2021-07-02. Review status: criteria provided, single submitter. Criteria: Invitae Variant Classification Sherloc (09022015). Collection method: clinical testing. Allele origin: germline.
Comment: This sequence change replaces glycine with serine at codon 357 of the WDR34 protein (p.Gly357Ser). The glycine residue is highly conserved and there is a small physicochemical difference between glycine and serine. This variant is present in population databases (rs769501856, ExAC 0.002%). This variant has not been reported in the literature in individuals affected with WDR34-related conditions. Algorithms developed to predict the effect of missense changes on protein structure and function (SIFT, PolyPhen-2, Align-GVGD) all suggest that this variant is likely to be disruptive. In summary, the available evidence is currently insufficient to determine the role of this variant in disease. Therefore, it has been classified as a Variant of Uncertain Significance.